The following is an entry in ClinVar:

NM_001385641.1(SAMD11):c.882C>A (p.His294Gln)

Gene: SAMD11 (sterile alpha motif domain containing 11; plus strand). Cytogenetic location: 1p36.33.
Variant type: single nucleotide variant.
Coding change: c.882C>A on transcript NM_001385641.1 (MANE Select); coding-DNA position 882, C replaced by A.
Protein change: p.His294Gln; replaces histidine 294 with glutamine.
Molecular consequence: missense variant.
Genome position (GRCh38, 1-based): chr1:935,811, C>A. VCF-style: chr1-935811-C-A. GRCh37 (hg19) VCF-style: chr1-871191-C-A.
Other names: c.882C>A, p.His294Gln (NM_001385640.1); c.345C>A (NM_152486.2); c.345C>A, p.His115Gln (NM_152486.4); short protein forms H115Q, H294Q.
Identifiers: ClinVar variation 2094939 (VCV002094939.5), dbSNP rs1157344132, ClinGen allele CA337797667.

ClinVar aggregate classification (germline): Uncertain significance. Review status: criteria provided, multiple submitters, no conflicts (2 of 4 stars). 2 submissions from 2 submitters: Uncertain significance (2). Last evaluated 2024-11-09.

Submissions (2):

Ambry Genetics
Classification: Uncertain significance. Last evaluated: 2024-11-09. Review status: criteria provided, single submitter. Criteria: Ambry Variant Classification Scheme 2023. Collection method: clinical testing. Allele origin: germline.

Labcorp Genetics (formerly Invitae), Labcorp
Classification: Uncertain significance. Last evaluated: 2022-05-27. Review status: criteria provided, single submitter. Criteria: Invitae Variant Classification Sherloc (09022015). Collection method: clinical testing. Allele origin: germline.
Comment: This sequence change replaces histidine, which is basic and polar, with glutamine, which is neutral and polar, at codon 115 of the SAMD11 protein (p.His115Gln). This variant is present in population databases (no rsID available, gnomAD no frequency). This variant has not been reported in the literature in individuals affected with SAMD11-related conditions. Algorithms developed to predict the effect of missense changes on protein structure and function (SIFT, PolyPhen-2, Align-GVGD) all suggest that this variant is likely to be tolerated. In summary, the available evidence is currently insufficient to determine the role of this variant in disease. Therefore, it has been classified as a Variant of Uncertain Significance.